The following is an entry in ClinVar:

NM_005559.4(LAMA1):c.8777del (p.Asn2926fs)

Gene: LAMA1 (laminin subunit alpha 1; minus strand). Cytogenetic location: 18p11.31.
Variant type: Deletion.
Coding change: c.8777del on transcript NM_005559.4 (MANE Select); coding-DNA position 8777, one base deleted (A; older notation c.8777delA).
Protein change: p.Asn2926fs; shifts the reading frame from asparagine 2926.
Molecular consequence: frameshift variant.
Genome position (GRCh38, 1-based): chr18:6,947,230, T deleted on the plus strand (A on the coding strand, the reverse complement: LAMA1 is on the minus strand); the first of 2 consecutive T bases (chr18:6,947,230-6,947,231); deleting either gives the same sequence. VCF-style (leftmost placement, unchanged base first): chr18-6947229-AT-A. GRCh37 (hg19) VCF-style: chr18-6947228-AT-A.
Other names: short protein forms N2926fs.
Identifiers: ClinVar variation 1897152 (VCV001897152.5), dbSNP rs768879429, ClinGen allele CA8880352.

ClinVar aggregate classification (germline): Pathogenic (1 of 4 stars; one submission).

Submission:

Labcorp Genetics (formerly Invitae), Labcorp
Classification: Pathogenic. Last evaluated: 2022-08-01. Review status: criteria provided, single submitter. Criteria: Invitae Variant Classification Sherloc (09022015). Collection method: clinical testing. Allele origin: germline.
Comment: For these reasons, this variant has been classified as Pathogenic. This variant has not been reported in the literature in individuals affected with LAMA1-related conditions. This variant is present in population databases (rs768879429, gnomAD 0.003%). This sequence change creates a premature translational stop signal (p.Asn2926Metfs*17) in the LAMA1 gene. It is expected to result in an absent or disrupted protein product. Loss-of-function variants in LAMA1 are known to be pathogenic (PMID: 25105227, 26932191).

Literature cited by the submitters: PubMed 25105227; PubMed 26932191.